The following is an entry in ClinVar:

ClinVar aggregate classification (germline): Uncertain significance (1 of 4 stars; one submission).

Conditions:
Spinocerebellar ataxia type 11 (SCA11). Identifiers: Orphanet 98767, MedGen C1858351, MONDO:0011464, OMIM 604432.

Submission:

Victorian Clinical Genetics Services, Murdoch Childrens Research Institute
Classification: Uncertain significance for Spinocerebellar ataxia type 11. Last evaluated: 2026-03-14. Review status: criteria provided, single submitter. Criteria: ACMG Guidelines, 2015. Collection method: clinical testing. Allele origin: germline. Affected: yes.
Comment: This variant is classified as VUS-3B. Evidence in support of pathogenic classification: Variant is absent from gnomAD (v2, v3 and v4). Additional information: Variant is predicted to result in a missense amino acid change from Glu to Asp; This variant is heterozygous; This gene is associated with autosomal dominant disease; Alternative amino acid change(s) at the same position are present in gnomAD (highest allele count: v4: 8 heterozygote(s), 0 homozygote(s)); This variant has no previous evidence of pathogenicity; No published evidence of segregation with disease has been identified for this variant; No published functional evidence has been identified for this variant; No comparable missense variants have previous evidence for pathogenicity; Variant is not located in an established domain, motif, hotspot or informative constraint region; Missense variant with inconclusive in silico prediction and/or uninformative conservation; Loss of function is likely the mechanism of disease in this gene and is associated with spinocerebellar ataxia 11 (MIM#604432) (PMID: 41422144). However, dominant-negative has also been suggested as a mechanism of disease for protein truncating variants (PMIDs: 20301723, 37329117, 36892783); Inheritance information for this variant is not currently available in this individual.

Literature cited by the submitters: PubMed 41422144.

NM_173500.4(TTBK2):c.1746G>T (p.Glu582Asp)

Gene: TTBK2 (tau tubulin kinase 2; minus strand). Cytogenetic location: 15q15.2.
Variant type: single nucleotide variant.
Coding change: c.1746G>T on transcript NM_173500.4 (MANE Select); coding-DNA position 1746, G replaced by T.
Protein change: p.Glu582Asp; replaces glutamic acid 582 with aspartic acid.
Molecular consequence: missense variant.
Genome position (GRCh38, 1-based): chr15:42,775,387, C>A on the plus strand (G>T on the coding strand, the complement: TTBK2 is on the minus strand). VCF-style: chr15-42775387-C-A. GRCh37 (hg19) VCF-style: chr15-43067585-C-A.
Other names: short protein forms E582D.
Identifiers: ClinVar variation 4879590 (VCV004879590.1).